The following is an entry in ClinVar:

ClinVar aggregate classification (germline): Pathogenic. Review status: reviewed by expert panel (3 of 4 stars). 3 submissions from 3 submitters: Pathogenic (1). 2 of the submissions do not count toward it. Last evaluated 2021-03-26.

Conditions:
CDKL5 disorder. Identifiers: MedGen CN296942, MONDO:0100039.
Inborn genetic diseases. Identifiers: MedGen C0950123, MeSH D030342.

Submissions (3):

ClinGen Rett and Angelman-like Disorders Variant Curation Expert Panel
Classification: Pathogenic for CDKL5 disorder. Last evaluated: 2021-03-26. Review status: reviewed by expert panel. Criteria: ClinGen RettAS ACMG Specifications V1. Collection method: curation. Allele origin: germline. Inheritance: X-linked inheritance.
Comment: The p.Leu405Thrfs variant in CDKL5 is predicted to cause a premature stop codon that leads to a truncated or absent protein in a gene in which loss-of-function is an established mechanism. There is significant evidence that loss of this region of the gene is pathogenic (PVS1). This variant has been detected in at least one individual with CDKL5 disorder (ClinVar) (PS4_supporting). This variant is absent from the gnomAD (PM2_supporting). In summary, the p.Leu405Thrfs variant in CDKL5 is classified as Pathogenic for CDKL5 disorder based on the ACMG/AMP criteria (PVS1, PM2_supporting, PS4_supporting).

GeneDx
Classification: Pathogenic. Last evaluated: 2017-01-19. Review status: criteria provided, single submitter. Criteria: GeneDx Variant Classification (06012015). Collection method: clinical testing. Allele origin: germline. Affected: yes. Not counted in ClinVar's aggregate classification.
Comment: The c.1211_1212dupAC pathogenic variant in the CDKL5 gene causes a frameshift starting with codon Leucine 405, changes this amino acid to a Threonine residue and creates a premature Stop codon at position 89 of the new reading frame, denoted p.Leu405ThrfsX89. This pathogenic variant is predicted to cause loss of normal protein function either through protein truncation or nonsense-mediated mRNA decay. Furthermore, the c.1211_1212dupAC variant is not observed in large population cohorts (Lek et al., 2016; 1000 Genomes Consortium et al., 2015; Exome Variant Server).

Ambry Genetics
Classification: Pathogenic for Inborn genetic diseases. Last evaluated: 2015-11-10. Review status: criteria provided, single submitter. Criteria: Ambry exome assertion method (8-5-2015). Collection method: clinical testing. Allele origin: germline. Affected: yes. Observed: 1 variant allele. Not counted in ClinVar's aggregate classification.

NM_001323289.2(CDKL5):c.1211_1212dup (p.Leu405fs)

Gene: CDKL5 (cyclin dependent kinase like 5; plus strand). Cytogenetic location: Xp22.13.
Variant type: Microsatellite.
Coding change: c.1211_1212dup on transcript NM_001323289.2 (MANE Select); coding-DNA positions 1211 to 1212, 2 bases duplicated (AC; older notation c.1211_1212dupAC).
Protein change: p.Leu405fs; shifts the reading frame from leucine 405.
Molecular consequence: frameshift variant.
Genome position (GRCh38, 1-based): chrX:18,604,135-18,604,136, AC duplicated; duplicating any 2 consecutive bases within chrX:18,604,132-18,604,136 gives the same sequence; the c. name uses the placement nearest the transcript's 3' end. VCF-style (leftmost placement, unchanged base first): chrX-18604131-C-CCA. GRCh37 (hg19) VCF-style: chrX-18622251-C-CCA.
Other names: c.1211_1212dup, p.Leu405fs (NM_001037343.2, NM_003159.3); c.1211_1212dupAC (NM_003159.2); short protein forms L405fs.
Identifiers: ClinVar variation 423029 (VCV000423029.7), dbSNP rs1555951981, ClinGen allele CA16621277.